The following is an entry in ClinVar:

NM_000038.6(APC):c.4173_4176dup (p.Leu1393fs)

Gene: APC (APC regulator of Wnt signaling pathway; plus strand). Cytogenetic location: 5q22.2.
Variant type: Duplication.
Coding change: c.4173_4176dup on transcript NM_000038.6 (MANE Select); coding-DNA positions 4173 to 4176, 4 bases duplicated (TTCA; older notation c.4173_4176dupTTCA).
Protein change: p.Leu1393fs; shifts the reading frame from leucine 1393.
Molecular consequence: frameshift variant.
Genome position (GRCh38, 1-based): chr5:112,839,767-112,839,770, TTCA duplicated. VCF-style (leftmost placement, unchanged base first): chr5-112839766-G-GTTCA. GRCh37 (hg19) VCF-style: chr5-112175463-G-GTTCA.
Other names: c.4173_4176dup, p.Leu1393fs (NM_001127510.3, NM_001354895.2); c.4119_4122dup, p.Leu1375fs (NM_001127511.3); c.4227_4230dup, p.Leu1411fs (NM_001354896.2); c.4203_4206dup, p.Leu1403fs (NM_001354897.2); c.4098_4101dup, p.Leu1368fs (NM_001354898.2); c.4089_4092dup, p.Leu1365fs (NM_001354899.2); c.4050_4053dup, p.Leu1352fs (NM_001354900.2); c.3996_3999dup, p.Leu1334fs (NM_001354901.2); and 5 more; short protein forms L1403fs, L1411fs, L1267fs, L1368fs, L1393fs, L1302fs, L1352fs, L1292fs.
Identifiers: ClinVar variation 960546 (VCV000960546.11), dbSNP rs1765620358, ClinGen allele CA1139659012.

ClinVar aggregate classification (germline): Pathogenic (1 of 4 stars; one submission).

Conditions:
Familial adenomatous polyposis 1 (FAP1). Also called: POLYPOSIS, ADENOMATOUS INTESTINAL; FAMILIAL ADENOMATOUS POLYPOSIS 1, ATTENUATED. Identifiers: MedGen C2713442, MONDO:0021056, OMIM 175100. Disease mechanism: loss of function.

Submission:

Labcorp Genetics (formerly Invitae), Labcorp
Classification: Pathogenic for Familial adenomatous polyposis 1. Last evaluated: 2019-07-05. Review status: criteria provided, single submitter. Criteria: Invitae Variant Classification Sherloc (09022015). Collection method: clinical testing. Allele origin: germline.
Comment: This variant is not present in population databases (ExAC no frequency). This variant has not been reported in the literature in individuals with APC-related conditions. This variant is expected to disrupt the EB1 and HDLG binding sites, which mediate interactions with the cytoskeleton (PMID: 15311282, 17293347). While functional studies have not been performed to directly test the effect on APC protein function, this suggests that disruption of the C-terminal portion of the protein is functionally important. For these reasons, this variant has been classified as Pathogenic. A different truncation (p.Tyr2645Lysfs*14) that lies downstream of this variant has been determined to be pathogenic (PMID: 9824584, 1316610,27081525, 8381579, 22135120, Invitae). This suggests that deletion of this region of the APC protein is causative of disease." This sequence change results in a premature translational stop signal in the APC gene (p.Leu1393Phefs*3). While this is not anticipated to result in nonsense mediated decay, it is expected to disrupt the last 1451 amino acids of the APC protein.

Literature cited by the submitters: PubMed 15311282; PubMed 17293347; PubMed 9824584; PubMed 1316610; PubMed 27081525; PubMed 8381579; PubMed 22135120.